The following is an entry in ClinVar:

ClinVar aggregate classification (germline): Uncertain significance (1 of 4 stars; one submission).

Submission:

Labcorp Genetics (formerly Invitae), Labcorp
Classification: Uncertain significance. Last evaluated: 2022-07-06. Review status: criteria provided, single submitter. Criteria: Invitae Variant Classification Sherloc (09022015). Collection method: clinical testing. Allele origin: germline.
Comment: In summary, the available evidence is currently insufficient to determine the role of this variant in disease. Therefore, it has been classified as a Variant of Uncertain Significance. Algorithms developed to predict the effect of missense changes on protein structure and function (SIFT, PolyPhen-2, Align-GVGD) all suggest that this variant is likely to be disruptive. This variant has not been reported in the literature in individuals affected with TSFM-related conditions. This variant is not present in population databases (gnomAD no frequency). This sequence change replaces arginine, which is basic and polar, with glycine, which is neutral and non-polar, at codon 130 of the TSFM protein (p.Arg130Gly).

NM_005726.6(TSFM):c.388A>G (p.Arg130Gly)

Gene: TSFM (Ts translation elongation factor, mitochondrial; plus strand). Cytogenetic location: 12q14.1.
Variant type: single nucleotide variant.
Coding change: c.388A>G on transcript NM_005726.6 (MANE Select); coding-DNA position 388, A replaced by G.
Protein change: p.Arg130Gly; replaces arginine 130 with glycine.
Molecular consequence: missense variant.
Genome position (GRCh38, 1-based): chr12:57,787,067, A>G. VCF-style: chr12-57787067-A-G. GRCh37 (hg19) VCF-style: chr12-58180850-A-G.
Other names: c.388A>G, p.Arg130Gly (NM_001172695.2, NM_001172696.2, NM_001172697.2); short protein forms R130G.
Identifiers: ClinVar variation 1971274 (VCV001971274.5), dbSNP rs2540950823, ClinGen allele CA385526819.